The following is an entry in ClinVar:

ClinVar aggregate classification (germline): Uncertain significance. Review status: criteria provided, multiple submitters, no conflicts (2 of 4 stars). 2 submissions from 2 submitters: Uncertain significance (2). Last evaluated 2024-03-25.

Conditions:
Klippel-Feil anomaly-myopathy-facial dysmorphism syndrome. Also called: Klippel-feil syndrome 4, autosomal recessive, with nemaline myopathy and facial dysmorphism; Klippel-Feil syndrome 4, autosomal recessive, with myopathy and facial dysmorphism. Identifiers: Orphanet 447974, MedGen C4225285, MONDO:0014689, OMIM 616549.

Submissions (2):

Genomic Medicine Center of Excellence, King Faisal Specialist Hospital and Research Centre
Classification: Uncertain significance for Klippel-Feil anomaly-myopathy-facial dysmorphism syndrome. Last evaluated: 2024-03-25. Review status: criteria provided, single submitter. Criteria: ACMG Guidelines, 2015. Collection method: clinical testing. Allele origin: germline.

CeGaT Center for Human Genetics Tuebingen
Classification: Uncertain significance. Last evaluated: 2022-12-01. Review status: criteria provided, single submitter. Criteria: CeGaT Center For Human Genetics Tuebingen Variant Classification Criteria Version 2. Collection method: clinical testing. Allele origin: germline. Affected: yes. Observed: 1 variant allele.
Comment: MYO18B: PM2

NM_032608.7(MYO18B):c.1763T>C (p.Leu588Pro)

Gene: MYO18B (myosin XVIIIB; plus strand). Cytogenetic location: 22q12.1.
Variant type: single nucleotide variant.
Coding change: c.1763T>C on transcript NM_032608.7 (MANE Select); coding-DNA position 1763, T replaced by C.
Protein change: p.Leu588Pro; replaces leucine 588 with proline.
Molecular consequence: missense variant.
Genome position (GRCh38, 1-based): chr22:25,772,404, T>C. VCF-style: chr22-25772404-T-C. GRCh37 (hg19) VCF-style: chr22-26168371-T-C.
Other names: c.1763T>C, p.Leu588Pro (NM_001318245.2); short protein forms L588P.
Identifiers: ClinVar variation 2653006 (VCV002653006.25), dbSNP rs2517685023, ClinGen allele CA411005939.